The following is an entry in ClinVar:

NM_014874.4(MFN2):c.2113G>T (p.Val705Phe)

Gene: MFN2 (mitofusin 2; plus strand). Cytogenetic location: 1p36.22.
Variant type: single nucleotide variant.
Coding change: c.2113G>T on transcript NM_014874.4 (MANE Select); coding-DNA position 2113, G replaced by T.
Protein change: p.Val705Phe; replaces valine 705 with phenylalanine.
Molecular consequence: missense variant.
Genome position (GRCh38, 1-based): chr1:12,009,635, G>T. VCF-style: chr1-12009635-G-T. GRCh37 (hg19) VCF-style: chr1-12069692-G-T.
Other names: c.2113G>T, p.Val705Phe (NM_001127660.2); short protein forms V705F.
Identifiers: ClinVar variation 3661836 (VCV003661836.2).
Genomic context (GRCh38, chr1:12,009,635, plus strand): 5'-TTCTCTCTCCTCCCCAGGGAACTGTCTGGGACCTTTGCTCATCTGTGTCAGCAAGTTGAC[G>T]TCACCCGGGAGAACCTGGAGCAGGAAATTGCCGCCATGAACAAGAAAATTGAGGTTCTTG-3'
Protein context (NP_055689.1, residues 695-715): TFAHLCQQVD[Val705Phe]TRENLEQEIA

ClinVar aggregate classification (germline): Uncertain significance (1 of 4 stars; one submission).

Conditions:
Charcot-Marie-Tooth disease type 2. Also called: Charcot-Marie-Tooth type 2. Identifiers: Orphanet 64746, MedGen C0270914, MONDO:0018993.

gnomAD v4.1: 5 of 1,614,164 alleles (0.00031%); highest among the groups gnomAD compares: Non-Finnish European, 0.00042%; no homozygotes.

Submission:

Labcorp Genetics (formerly Invitae), Labcorp
Classification: Uncertain significance for Charcot-Marie-Tooth disease type 2. Last evaluated: 2024-08-08. Review status: criteria provided, single submitter. Criteria: Invitae Variant Classification Sherloc (09022015). Collection method: clinical testing. Allele origin: germline.
Comment: This sequence change replaces valine, which is neutral and non-polar, with phenylalanine, which is neutral and non-polar, at codon 705 of the MFN2 protein (p.Val705Phe). This variant is not present in population databases (gnomAD no frequency). This variant has not been reported in the literature in individuals affected with MFN2-related conditions. Advanced modeling of protein sequence and biophysical properties (such as structural, functional, and spatial information, amino acid conservation, physicochemical variation, residue mobility, and thermodynamic stability) has been performed at Invitae for this missense variant, however the output from this modeling did not meet the statistical confidence thresholds required to predict the impact of this variant on MFN2 protein function. In summary, the available evidence is currently insufficient to determine the role of this variant in disease. Therefore, it has been classified as a Variant of Uncertain Significance.